The following is an entry in ClinVar:

ClinVar aggregate classification (germline): Benign (0 of 4 stars; one submission).

Conditions:
KCNJ12-related disorder. Also called: KCNJ12-related condition.

Allele frequency attached by ClinVar (database versions not stated): gnomAD exomes 0.13777; ESP Exome Variant Server 0.16023; gnomAD 0.18413.
gnomAD v4.1: 186,776 of 1,311,010 alleles (14%); highest among the groups gnomAD compares: African/African-American, 24%; no homozygotes.

Submission:

PreventionGenetics, part of Exact Sciences
Classification: Benign for KCNJ12-related condition. Last evaluated: 2019-10-18. Review status: no assertion criteria provided. Collection method: clinical testing. Allele origin: germline.
Comment: This variant is classified as benign based on ACMG/AMP sequence variant interpretation guidelines (Richards et al. 2015 PMID: 25741868, with internal and published modifications).

NM_021012.5(KCNJ12):c.87C>T (p.Asn29=)

Gene: KCNJ12 (potassium inwardly rectifying channel subfamily J member 12; plus strand). Cytogenetic location: 17p11.2.
Variant type: single nucleotide variant.
Coding change: c.87C>T on transcript NM_021012.5 (MANE Select); coding-DNA position 87, C replaced by T.
Protein change: p.Asn29=; no amino-acid change (asparagine 29 retained).
Molecular consequence: synonymous variant.
Genome position (GRCh38, 1-based): chr17:21,415,429, C>T. VCF-style: chr17-21415429-C-T. GRCh37 (hg19) VCF-style: chr17-21318741-C-T.
Identifiers: ClinVar variation 3060191 (VCV003060191.2), dbSNP rs75113504, ClinGen allele CA8450979.
Genomic context (GRCh38, chr17:21,415,429, plus strand): 5'-CTACAGCATCGTGTCATCGGAGGAGGACGGGCTGCACCTGGTCACCATGTCGGGCGCCAA[C>T]GGCTTCGGCAACGGCAAGGTGCACACGCGGCGCAGGTGCCGCAACCGCTTCGTCAAGAAG-3'
Protein context (NP_066292.2, residues 19-39): GLHLVTMSGA[Asn29=]GFGNGKVHTR